The following is an entry in ClinVar:

ClinVar aggregate classification (germline): Uncertain significance (1 of 4 stars; one submission).

Conditions:
Developmental and epileptic encephalopathy, 8 (DEE8). Also called: HYPEREKPLEXIA AND EPILEPSY. Identifiers: Orphanet 163985, Orphanet 2076, MedGen C1845102, MONDO:0010375, OMIM 300607.

Submission:

Labcorp Genetics (formerly Invitae), Labcorp
Classification: Uncertain significance for Developmental and epileptic encephalopathy, 8. Last evaluated: 2023-01-05. Review status: criteria provided, single submitter. Criteria: Invitae Variant Classification Sherloc (09022015). Collection method: clinical testing. Allele origin: germline.
Comment: In summary, the available evidence is currently insufficient to determine the role of this variant in disease. Therefore, it has been classified as a Variant of Uncertain Significance. This variant is not present in population databases (gnomAD no frequency). This sequence change replaces leucine, which is neutral and non-polar, with phenylalanine, which is neutral and non-polar, at codon 208 of the ARHGEF9 protein (p.Leu208Phe). This variant has not been reported in the literature in individuals affected with ARHGEF9-related conditions. Advanced modeling of protein sequence and biophysical properties (such as structural, functional, and spatial information, amino acid conservation, physicochemical variation, residue mobility, and thermodynamic stability) has been performed at Invitae for this missense variant, however the output from this modeling did not meet the statistical confidence thresholds required to predict the impact of this variant on ARHGEF9 protein function.

NM_001353921.2(ARHGEF9):c.643C>T (p.Leu215Phe)

Gene: ARHGEF9 (Cdc42 guanine nucleotide exchange factor 9; minus strand). Cytogenetic location: Xq11.1.
Variant type: single nucleotide variant.
Coding change: c.643C>T on transcript NM_001353921.2 (MANE Select); coding-DNA position 643, C replaced by T.
Protein change: p.Leu215Phe; replaces leucine 215 with phenylalanine.
Molecular consequence: missense variant.
Genome position (GRCh38, 1-based): chrX:63,678,512, G>A on the plus strand (C>T on the coding strand, the complement: ARHGEF9 is on the minus strand). VCF-style: chrX-63678512-G-A. GRCh37 (hg19) VCF-style: chrX-62898392-G-A.
Other names: c.463C>T, p.Leu155Phe (NM_001173479.2); c.316C>T, p.Leu106Phe (NM_001173480.2, NM_001369042.1); c.559C>T, p.Leu187Phe (NM_001330495.2, NM_001353927.2, NM_001369033.1 and 8 more transcripts); c.643C>T, p.Leu215Phe (NM_001353922.2); c.661C>T, p.Leu221Phe (NM_001353923.1); c.442C>T, p.Leu148Phe (NM_001353924.2, NM_001353926.2, NM_001369039.1 and 1 more transcripts); c.622C>T, p.Leu208Phe (NM_001353928.2, NM_001369030.1, NM_001369031.1 and 2 more transcripts); c.208C>T, p.Leu70Phe (NM_001369045.1); short protein forms L187F, L215F, L221F, L70F, L155F, L148F, L106F, L208F.
Identifiers: ClinVar variation 2794671 (VCV002794671.3), dbSNP rs2519751850, ClinGen allele CA413406625.